The following is an entry in ClinVar:

ClinVar aggregate classification (germline): Uncertain significance. Review status: criteria provided, multiple submitters, no conflicts (2 of 4 stars). 4 submissions from 4 submitters: Uncertain significance (4). Last evaluated 2024-05-04.

Conditions:
Familial adenomatous polyposis 1 (FAP1). Also called: POLYPOSIS, ADENOMATOUS INTESTINAL; FAMILIAL ADENOMATOUS POLYPOSIS 1, ATTENUATED. Identifiers: MedGen C2713442, MONDO:0021056, OMIM 175100. Disease mechanism: loss of function.
Hereditary cancer-predisposing syndrome. Also called: Tumor predisposition; Neoplastic Syndromes, Hereditary; Hereditary Cancer Syndrome; Hereditary neoplastic syndrome. Identifiers: Orphanet 140162, MedGen C0027672, MeSH D009386, MONDO:0015356.

Submissions (4):

Labcorp Genetics (formerly Invitae), Labcorp
Classification: Uncertain significance for Familial adenomatous polyposis 1. Last evaluated: 2024-05-04. Review status: criteria provided, single submitter. Criteria: Invitae Variant Classification Sherloc (09022015). Collection method: clinical testing. Allele origin: germline.
Comment: This sequence change replaces serine, which is neutral and polar, with glycine, which is neutral and non-polar, at codon 111 of the APC protein (p.Ser111Gly). This variant is not present in population databases (gnomAD no frequency). This variant has not been reported in the literature in individuals affected with APC-related conditions. ClinVar contains an entry for this variant (Variation ID: 802131). Advanced modeling of protein sequence and biophysical properties (such as structural, functional, and spatial information, amino acid conservation, physicochemical variation, residue mobility, and thermodynamic stability) performed at Invitae indicates that this missense variant is not expected to disrupt APC protein function with a negative predictive value of 95%. In summary, the available evidence is currently insufficient to determine the role of this variant in disease. Therefore, it has been classified as a Variant of Uncertain Significance.

Ambry Genetics
Classification: Uncertain significance for Hereditary cancer-predisposing syndrome. Last evaluated: 2022-11-16. Review status: criteria provided, single submitter. Criteria: Ambry Variant Classification Scheme 2023. Collection method: clinical testing. Allele origin: germline.
Comment: The p.S111G variant (also known as c.331A>G), located in coding exon 3 of the APC gene, results from an A to G substitution at nucleotide position 331. The serine at codon 111 is replaced by glycine, an amino acid with similar properties. This amino acid position is highly conserved in available vertebrate species. In addition, in silico predictors for this gene do not accurately predict pathogenicity. Since supporting evidence is limited at this time, the clinical significance of this alteration remains unclear.

Color Diagnostics, LLC DBA Color Health
Classification: Uncertain significance for Hereditary cancer-predisposing syndrome. Last evaluated: 2019-06-20. Review status: criteria provided, single submitter. Criteria: ACMG Guidelines, 2015. Collection method: clinical testing. Allele origin: germline.

Mendelics
Classification: Uncertain significance for Familial adenomatous polyposis 1. Last evaluated: 2019-05-28. Review status: criteria provided, single submitter. Criteria: Mendelics Assertion Criteria 2017. Collection method: clinical testing. Allele origin: unknown.

NM_000038.6(APC):c.331A>G (p.Ser111Gly)

Gene: APC (APC regulator of Wnt signaling pathway; plus strand). Cytogenetic location: 5q22.2.
Variant type: single nucleotide variant.
Coding change: c.331A>G on transcript NM_000038.6 (MANE Select); coding-DNA position 331, A replaced by G.
Protein change: p.Ser111Gly; replaces serine 111 with glycine.
Molecular consequence: missense variant. On other transcripts: 5 prime UTR variant (1).
Genome position (GRCh38, 1-based): chr5:112,767,299, A>G. VCF-style: chr5-112767299-A-G. GRCh37 (hg19) VCF-style: chr5-112102996-A-G.
Other names: c.331A>G, p.Ser111Gly (NM_001127510.3, NM_001354895.2, NM_001354896.2 and 2 more transcripts); c.361A>G, p.Ser121Gly (NM_001127511.3, NM_001354897.2, NM_001354902.2); c.256A>G, p.Ser86Gly (NM_001354898.2, NM_001354904.2); c.154A>G, p.Ser52Gly (NM_001354900.2, NM_001354901.2, NM_001354905.2); c.-705A>G (NM_001354906.2); short protein forms S121G, S111G, S52G, S86G.
Identifiers: ClinVar variation 802131 (VCV000802131.7), dbSNP rs1580328938, ClinGen allele CA16022045.